The following is an entry in ClinVar:

NM_000059.4(BRCA2):c.5304del (p.Asp1769fs)

Gene: BRCA2 (BRCA2 DNA repair associated; plus strand). Cytogenetic location: 13q13.1.
Variant type: Deletion.
Coding change: c.5304del on transcript NM_000059.4 (MANE Select); coding-DNA position 5304, one base deleted (T; older notation c.5304delT).
Protein change: p.Asp1769fs; shifts the reading frame from aspartic acid 1769.
Molecular consequence: frameshift variant.
Genome position (GRCh38, 1-based): chr13:32,339,659, T deleted; the last of 2 consecutive T bases (chr13:32,339,658-32,339,659); deleting either gives the same sequence. VCF-style (leftmost placement, unchanged base first): chr13-32339657-CT-C. GRCh37 (hg19) VCF-style: chr13-32913794-CT-C.
Other names: c.5304delT (NM_000059.3); short protein forms D1769fs.
Identifiers: ClinVar variation 254557 (VCV000254557.2), dbSNP rs886038123, ClinGen allele CA10586540.

ClinVar aggregate classification (germline): Pathogenic (3 of 4 stars; one submission).

Conditions:
Breast-ovarian cancer, familial, susceptibility to, 2 (BROVCA2). Also called: BRCA2 Hereditary Breast and Ovarian Cancer. Identifiers: Orphanet 145, MedGen C2675520, MONDO:0012933, OMIM 612555. Disease mechanism: loss of function.

Submission:

Evidence-based Network for the Interpretation of Germline Mutant Alleles (ENIGMA)
Classification: Pathogenic for Breast-ovarian cancer, familial, susceptibility to, 2. Last evaluated: 2016-09-08. Review status: reviewed by expert panel. Criteria: ENIGMA BRCA1/2 Classification Criteria (2015). Collection method: curation. Allele origin: germline.
Comment: Variant allele predicted to encode a truncated non-functional protein.